The following is an entry in ClinVar:

NM_001134407.3(GRIN2A):c.904G>T (p.Ala302Ser)

Gene: GRIN2A (glutamate ionotropic receptor NMDA type subunit 2A; minus strand). Cytogenetic location: 16p13.2.
Variant type: single nucleotide variant.
Coding change: c.904G>T on transcript NM_001134407.3 (MANE Select); coding-DNA position 904, G replaced by T.
Protein change: p.Ala302Ser; replaces alanine 302 with serine.
Molecular consequence: missense variant.
Genome position (GRCh38, 1-based): chr16:9,938,062, C>A on the plus strand (G>T on the coding strand, the complement: GRIN2A is on the minus strand). VCF-style: chr16-9938062-C-A. GRCh37 (hg19) VCF-style: chr16-10031919-C-A.
Other names: c.904G>T, p.Ala302Ser (NM_000833.5, NM_001134408.2); short protein forms A302S.
Identifiers: ClinVar variation 659687 (VCV000659687.15), dbSNP rs901717931, ClinGen allele CA394798250.
Genomic context (GRCh38, chr16:9,938,062, plus strand): 5'-CGTAGCAGCTGGCCTTGGCCTCGGGGATGTAGGAGAACTTCTCCAGCATAGAAGATGCAG[C>A]GGTGGTTAGGATGCCAATGCCGTCCCTCACTCTCGCCTCCAGGCTGTAGTCCCAGTCATC-3'
Protein context (NP_001127879.1, residues 292-312): VRDGIGILTT[Ala302Ser]ASSMLEKFSY

ClinVar aggregate classification (germline): Uncertain significance. Review status: criteria provided, multiple submitters, no conflicts (2 of 4 stars). 2 submissions from 2 submitters: Uncertain significance (2). Last evaluated 2024-04-29.

Conditions:
Landau-Kleffner syndrome (FESD). Also called: EPILEPSY, FOCAL, WITH SPEECH DISORDER AND WITH OR WITHOUT MENTAL RETARDATION; APHASIA, ACQUIRED, WITH EPILEPSY. Identifiers: Orphanet 1945, Orphanet 725, Orphanet 98818, MedGen C0282512, MONDO:0009509, OMIM 245570.

gnomAD v4.1: 2 of 1,614,010 alleles (0.00012%); highest among the groups gnomAD compares: Middle Eastern, 0.017%; no homozygotes.

Submissions (2):

Labcorp Genetics (formerly Invitae), Labcorp
Classification: Uncertain significance for Landau-Kleffner syndrome. Last evaluated: 2024-04-29. Review status: criteria provided, single submitter. Criteria: Invitae Variant Classification Sherloc (09022015). Collection method: clinical testing. Allele origin: germline.
Comment: This sequence change replaces alanine, which is neutral and non-polar, with serine, which is neutral and polar, at codon 302 of the GRIN2A protein (p.Ala302Ser). This variant is not present in population databases (gnomAD no frequency). This missense change has been observed in individual(s) with GRIN2A-related conditions (PMID: 32722525). This missense change has been observed in at least one individual who was not affected with GRIN2A-related conditions (Invitae). ClinVar contains an entry for this variant (Variation ID: 659687). Advanced modeling of protein sequence and biophysical properties (such as structural, functional, and spatial information, amino acid conservation, physicochemical variation, residue mobility, and thermodynamic stability) has been performed at Invitae for this missense variant, however the output from this modeling did not meet the statistical confidence thresholds required to predict the impact of this variant on GRIN2A protein function. In summary, the available evidence is currently insufficient to determine the role of this variant in disease. Therefore, it has been classified as a Variant of Uncertain Significance.

Illumina Laboratory Services, Illumina
Classification: Uncertain significance for GRIN2A-related speech disorders and epilepsy. Last evaluated: 2020-01-29. Review status: criteria provided, single submitter. Criteria: ICSLVariantClassificationCriteria RUGD 01 April 2020. Collection method: clinical testing. Allele origin: unknown.
Comment: The GRIN2A c.904G>T (p.Ala302Ser) variant is a missense variant. A literature search was performed for the gene, cDNA change, and amino acid change. No publications were found based on this search. This variant is not found the Genome Aggregation Database in a region of good sequence coverage, so the variant is presumed to be rare. Based on the limited evidence, the p.Ala302Ser variant is classified as a variant of unknown significance for GRIN2A-related speech disorders and epilepsy.

Literature cited by the submitters: PubMed 32722525 (cited by Labcorp Genetics (formerly Invitae), Labcorp).